The following is an entry in ClinVar:

ClinVar aggregate classification (germline): Uncertain significance (1 of 4 stars; one submission).

Conditions:
Lysinuric protein intolerance (LPI). Identifiers: Orphanet 470, MedGen C0268647, MONDO:0009109, OMIM 222700.

gnomAD v4.1: 8 of 1,614,008 alleles (0.0005%); highest among the groups gnomAD compares: South Asian, 0.0022%; no homozygotes.

Submission:

Labcorp Genetics (formerly Invitae), Labcorp
Classification: Uncertain significance for Lysinuric protein intolerance. Last evaluated: 2024-09-05. Review status: criteria provided, single submitter. Criteria: Invitae Variant Classification Sherloc (09022015). Collection method: clinical testing. Allele origin: germline.
Comment: This sequence change replaces aspartic acid, which is acidic and polar, with asparagine, which is neutral and polar, at codon 22 of the SLC7A7 protein (p.Asp22Asn). This variant is not present in population databases (gnomAD no frequency). This variant has not been reported in the literature in individuals affected with SLC7A7-related conditions. An algorithm developed to predict the effect of missense changes on protein structure and function outputs the following: PolyPhen-2: "Benign". The asparagine amino acid residue is found in multiple mammalian species, which suggests that this missense change does not adversely affect protein function. In summary, the available evidence is currently insufficient to determine the role of this variant in disease. Therefore, it has been classified as a Variant of Uncertain Significance.

NM_003982.4(SLC7A7):c.64G>A (p.Asp22Asn)

Genes: SLC7A7 (solute carrier family 7 member 7; minus strand), LOC130055323 (ATAC-STARR-seq lymphoblastoid silent region 5589; plus strand). Cytogenetic location: 14q11.2.
Variant type: single nucleotide variant.
Coding change: c.64G>A on transcript NM_003982.4 (MANE Select); coding-DNA position 64, G replaced by A.
Protein change: p.Asp22Asn; replaces aspartic acid 22 with asparagine.
Molecular consequence: missense variant.
Genome position (GRCh38, 1-based): chr14:22,813,335, C>T on the plus strand (G>A on the coding strand, the complement: SLC7A7 is on the minus strand). VCF-style: chr14-22813335-C-T. GRCh37 (hg19) VCF-style: chr14-23282544-C-T.
Other names: c.64G>A, p.Asp22Asn (NM_001126105.3, NM_001126106.4); short protein forms D22N.
Identifiers: ClinVar variation 3673540 (VCV003673540.2).